The following is an entry in ClinVar:

NM_001985.3(ETFB):c.632del (p.Pro211fs)

Gene: ETFB (electron transfer flavoprotein subunit beta; minus strand). Cytogenetic location: 19q13.41.
Variant type: Deletion.
Coding change: c.632del on transcript NM_001985.3 (MANE Select); coding-DNA position 632, one base deleted (C; older notation c.632delC).
Protein change: p.Pro211fs; shifts the reading frame from proline 211.
Molecular consequence: frameshift variant.
Genome position (GRCh38, 1-based): chr19:51,345,347, G deleted on the plus strand (C on the coding strand, the reverse complement: ETFB is on the minus strand); the first of 2 consecutive G bases (chr19:51,345,347-51,345,348); deleting either gives the same sequence. VCF-style (leftmost placement, unchanged base first): chr19-51345346-AG-A. GRCh37 (hg19) VCF-style: chr19-51848600-AG-A.
Other names: c.905del, p.Pro302fs (NM_001014763.1); short protein forms P302fs, P211fs.
Identifiers: ClinVar variation 3584064 (VCV003584064.2).
Genomic context (GRCh38, chr19:51,345,346, plus strand): 5'-GGGCGGGTCCTCCACACTGATCACAGAGAGCTTGGAGGTCAGGTCCACACCCAGGTCCCC[AG>A]GCTTGATCACCTCGATCTTCTTCTTCTTGGCTTTCTGCACATGGGAAGCCATTGTTCACA-3'

ClinVar aggregate classification (germline): Likely pathogenic. Review status: criteria provided, multiple submitters, no conflicts (2 of 4 stars). 2 submissions from 2 submitters: Likely pathogenic (2). Last evaluated 2026-07-21.

Conditions:
Multiple acyl-CoA dehydrogenase deficiency (MADD). Also called: Glutaric Acidemia type 2; ETHYLMALONIC-ADIPICACIDURIA; GA II; Glutaric acidemia type II; GA 2; Glutaric aciduria, type 2. Identifiers: Orphanet 26791, MedGen C0268596, MONDO:0009282, OMIM 231680.
Fetal anomalies with a likely genetic cause.

Submissions (2):

Genetics Laboratory, Great Ormond Street Hospital NHS Foundation Trust, North Thames Genomic Laboratory Hub
Classification: Likely pathogenic for Fetal anomalies with a likely genetic cause. Last evaluated: 2026-07-21. Review status: criteria provided, single submitter. Criteria: ACGS Best Practice Guidelines for Variant Classification in Rare Disease 2024 v1.2. Collection method: clinical testing. Allele origin: germline. Affected: yes.
Comment: PM2_moderate, PVS1_strong

Fulgent Genetics
Classification: Likely pathogenic for Multiple acyl-CoA dehydrogenase deficiency. Last evaluated: 2024-06-19. Review status: criteria provided, single submitter. Criteria: ACMG Guidelines, 2015. Collection method: clinical testing. Allele origin: germline.